The following is an entry in ClinVar:

NM_001323289.2(CDKL5):c.942del (p.Lys314fs)

Gene: CDKL5 (cyclin dependent kinase like 5; plus strand). Cytogenetic location: Xp22.13.
Variant type: Deletion.
Coding change: c.942del on transcript NM_001323289.2 (MANE Select); coding-DNA position 942, one base deleted (A; older notation c.942delA).
Protein change: p.Lys314fs; shifts the reading frame from lysine 314.
Molecular consequence: frameshift variant.
Genome position (GRCh38, 1-based): chrX:18,598,578, A deleted; the last of 4 consecutive A bases (chrX:18,598,575-18,598,578); deleting any one gives the same sequence. VCF-style (leftmost placement, unchanged base first): chrX-18598574-GA-G. GRCh37 (hg19) VCF-style: chrX-18616694-GA-G.
Other names: NM_001323289.2(CDKL5):c.942del; p.Lys314fs; c.942delA (NM_003159.2); c.942del, p.Lys314fs (NM_001037343.2, NM_003159.3); c.942del (NM_003159.2); short protein forms K314fs.
Identifiers: ClinVar variation 189600 (VCV000189600.4), dbSNP rs786204992, ClinGen allele CA199417.

ClinVar aggregate classification (germline): Likely pathogenic. Review status: criteria provided, multiple submitters, no conflicts (2 of 4 stars). 3 submissions from 3 submitters: Likely pathogenic (2). 1 of the submissions does not count toward it. Last evaluated 2025-05-28.

Conditions:
CDKL5 disorder. Identifiers: MedGen CN296942, MONDO:0100039.
Atypical Rett syndrome. Also called: Rett like syndrome; Variant Rett Syndrome. Identifiers: Orphanet 3095, MedGen C2748910, MONDO:0017746.
Developmental and epileptic encephalopathy, 2 (DEE2). Also called: INFANTILE SPASM SYNDROME, X-LINKED 2; CDKL5 deficiency disorder. Identifiers: Orphanet 1934, Orphanet 3451, Orphanet 505652, MedGen C4750718, MONDO:0010396, OMIM 300672.

Submissions (3):

Revvity Omics, Revvity
Classification: Likely pathogenic for Developmental and epileptic encephalopathy, 2. Last evaluated: 2025-05-28. Review status: criteria provided, single submitter. Criteria: ACMG Guidelines, 2015. Collection method: clinical testing. Allele origin: germline.

Centre for Population Genomics, CPG
Classification: Likely pathogenic for CDKL5 disorder. Last evaluated: 2024-09-09. Review status: criteria provided, single submitter. Criteria: McKnight et al. (Hum Mutat. 2022). Collection method: curation. Allele origin: germline. Inheritance: X-linked inheritance.
Comment: This variant has been collected from RettBASE and curated to current modified ACMG/AMP criteria. Based on the classification scheme defined by the ClinGen Rett/Angelman-like Expert Panel for Rett/AS-like Disorders Specifications to the ACMG/AMP Variant Interpretation Guidelines VCEP 3.0, this variant is classified as likely pathogenic. At least the following criteria are met: Predicted to result in loss of function, and LOF is a known mechanism of disease (PVS1). This variant is absent from gnomAD (PM2_Supporting).

RettBASE
Classification: Pathogenic for Atypical Rett syndrome. Last evaluated: 2014-03-13. Review status: no assertion criteria provided. Collection method: curation. Allele origin: unknown. Affected: yes. Observed: 1 variant allele. Not counted in ClinVar's aggregate classification.

Literature cited by the submitters: PubMed 22430159 (cited by RettBASE).